The following is an entry in ClinVar:

NM_020207.7(ERCC6L2):c.-18G>C

Gene: ERCC6L2 (ERCC excision repair 6 like 2; plus strand). Cytogenetic location: 9q22.32.
Variant type: single nucleotide variant.
Coding change: c.-18G>C on transcript NM_020207.7 (MANE Select); 18 bases upstream of the start codon, G replaced by C.
Molecular consequence: 5 prime UTR variant. On other transcripts: non-coding transcript variant (1).
Genome position (GRCh38, 1-based): chr9:95,876,021, G>C. VCF-style: chr9-95876021-G-C. GRCh37 (hg19) VCF-style: chr9-98638303-G-C.
Other names: c.-18G>C (NM_001010895.4, NM_001375291.1, NM_001375292.1 and 2 more transcripts).
Identifiers: ClinVar variation 3674379 (VCV003674379.2).

ClinVar aggregate classification (germline): Uncertain significance (1 of 4 stars; one submission).

gnomAD v4.1: 2 of 1,583,256 alleles (0.00013%); highest among the groups gnomAD compares: East Asian, 0.0047%; no homozygotes.

Submission:

Labcorp Genetics (formerly Invitae), Labcorp
Classification: Uncertain significance. Last evaluated: 2024-11-09. Review status: criteria provided, single submitter. Criteria: Invitae Variant Classification Sherloc (09022015). Collection method: clinical testing. Allele origin: germline.
Comment: This sequence change replaces alanine, which is neutral and non-polar, with proline, which is neutral and non-polar, at codon 6 of the ERCC6L2 protein (p.Ala6Pro). The frequency data for this variant in the population databases is considered unreliable, as metrics indicate poor data quality at this position in the gnomAD database. This variant has not been reported in the literature in individuals affected with ERCC6L2-related conditions. Experimental studies and prediction algorithms are not available or were not evaluated, and the functional significance of this variant is currently unknown. In summary, the available evidence is currently insufficient to determine the role of this variant in disease. Therefore, it has been classified as a Variant of Uncertain Significance.